The following is an entry in ClinVar:

NM_000368.5(TSC1):c.1067C>A (p.Thr356Asn)

Gene: TSC1 (TSC complex subunit 1; minus strand). Cytogenetic location: 9q34.13.
Variant type: single nucleotide variant.
Coding change: c.1067C>A on transcript NM_000368.5 (MANE Select); coding-DNA position 1067, C replaced by A.
Protein change: p.Thr356Asn; replaces threonine 356 with asparagine.
Molecular consequence: missense variant.
Genome position (GRCh38, 1-based): chr9:132,911,076, G>T on the plus strand (C>A on the coding strand, the complement: TSC1 is on the minus strand). VCF-style: chr9-132911076-G-T. GRCh37 (hg19) VCF-style: chr9-135786463-G-T.
Other names: c.1067C>A, p.Thr356Asn (NM_001162426.2); c.914C>A, p.Thr305Asn (NM_001162427.2); c.704C>A, p.Thr235Asn (NM_001362177.2); c.1067C>A (NM_000368.4); short protein forms T235N, T305N, T356N.
Identifiers: ClinVar variation 1024092 (VCV001024092.11), dbSNP rs1845931432, ClinGen allele CA375367707.

ClinVar aggregate classification (germline): Conflicting classifications of pathogenicity. Review status: criteria provided, conflicting classifications (1 of 4 stars). 4 submissions from 4 submitters: Uncertain significance (2); Benign (1); Likely benign (1). Last evaluated 2026-01-14.

Conditions:
Hereditary cancer-predisposing syndrome. Also called: Hereditary neoplastic syndrome; Neoplastic Syndromes, Hereditary; Tumor predisposition; Hereditary Cancer Syndrome. Identifiers: Orphanet 140162, MedGen C0027672, MeSH D009386, MONDO:0015356.
Tuberous sclerosis 1 (TSC1). Identifiers: Orphanet 805, MedGen C1854465, MONDO:0008612, OMIM 191100.
Lymphangiomyomatosis (LAM). Also called: Lymphangioleiomyomatosis; Lymphangioleiomyomatosis, somatic. Identifiers: Orphanet 538, MedGen C0751674, MONDO:0011705, OMIM 606690.
Isolated focal cortical dysplasia type II (FCORD2). Also called: Focal cortical dysplasia type II; CORTICAL DYSPLASIA OF TAYLOR. Identifiers: Orphanet 268994, MedGen C1846385, MONDO:0011818, OMIM 607341, HP:0032051.

gnomAD v4.1: 2 of 1,614,148 alleles (0.00012%); highest among the groups gnomAD compares: Non-Finnish European, 0.00017%; no homozygotes.

Submissions (4):

Labcorp Genetics (formerly Invitae), Labcorp
Classification: Benign for Tuberous sclerosis 1. Last evaluated: 2026-01-14. Review status: criteria provided, single submitter. Criteria: Invitae Variant Classification Sherloc (09022015). Collection method: clinical testing. Allele origin: germline.

Ambry Genetics
Classification: Uncertain significance for Hereditary cancer-predisposing syndrome. Last evaluated: 2025-05-23. Review status: criteria provided, single submitter. Criteria: Ambry Variant Classification Scheme 2023. Collection method: clinical testing. Allele origin: germline.
Comment: The p.T356N variant (also known as c.1067C>A), located in coding exon 9 of the TSC1 gene, results from a C to A substitution at nucleotide position 1067. The threonine at codon 356 is replaced by asparagine, an amino acid with similar properties. This amino acid position is conserved. In addition, the in silico prediction for this alteration is inconclusive. Since supporting evidence is limited at this time, the clinical significance of this alteration remains unclear.

Fulgent Genetics
Classification: Uncertain significance for Tuberous sclerosis 1; Lymphangiomyomatosis; Isolated focal cortical dysplasia type II. Last evaluated: 2024-03-20. Review status: criteria provided, single submitter. Criteria: ACMG Guidelines, 2015. Collection method: clinical testing. Allele origin: germline.

Blueprint Genetics
Classification: Likely benign. Last evaluated: 2024-02-16. Review status: criteria provided, single submitter. Criteria: ACMG Guidelines, 2015. Collection method: clinical testing. Allele origin: germline.